The following is an entry in ClinVar:

NM_001614.5(ACTG1):c.318C>G (p.Thr106=)

Gene: ACTG1 (actin gamma 1; minus strand). Cytogenetic location: 17q25.3.
Variant type: single nucleotide variant.
Coding change: c.318C>G on transcript NM_001614.5 (MANE Select); coding-DNA position 318, C replaced by G.
Protein change: p.Thr106=; no amino-acid change (threonine 106 retained).
Molecular consequence: synonymous variant. On other transcripts: non-coding transcript variant (1).
Genome position (GRCh38, 1-based): chr17:81,511,948, G>C on the plus strand (C>G on the coding strand, the complement: ACTG1 is on the minus strand). VCF-style: chr17-81511948-G-C. GRCh37 (hg19) VCF-style: chr17-79478974-G-C.
Other names: c.318C>G, p.Thr106= (NM_001199954.3).
Identifiers: ClinVar variation 720495 (VCV000720495.31), dbSNP rs372370199, ClinGen allele CA8836281.

ClinVar aggregate classification (germline): Likely benign. Review status: criteria provided, multiple submitters, no conflicts (2 of 4 stars). 3 submissions from 3 submitters: Likely benign (3). Last evaluated 2025-06-12.

Conditions:
Baraitser-winter syndrome 2. Identifiers: Orphanet 2995, MedGen C3281235, MONDO:0013812, OMIM 614583.
Autosomal dominant nonsyndromic hearing loss 20. Identifiers: Orphanet 90635, MedGen C1858172, MONDO:0011480, OMIM 604717.

Allele frequency attached by ClinVar (database versions not stated): TOPMed 0.00004; ESP Exome Variant Server 0.00008.
gnomAD v4.1: 18 of 1,613,954 alleles (0.0011%); highest among the groups gnomAD compares: African/African-American, 0.013%; no homozygotes.

Submissions (3):

Labcorp Genetics (formerly Invitae), Labcorp
Classification: Likely benign for Baraitser-winter syndrome 2; Autosomal dominant nonsyndromic hearing loss 20. Last evaluated: 2025-06-12. Review status: criteria provided, single submitter. Criteria: Invitae Variant Classification Sherloc (09022015). Collection method: clinical testing. Allele origin: germline.

CeGaT Center for Human Genetics Tuebingen
Classification: Likely benign. Last evaluated: 2022-04-01. Review status: criteria provided, single submitter. Criteria: CeGaT Center For Human Genetics Tuebingen Variant Classification Criteria Version 2. Collection method: clinical testing. Allele origin: germline. Affected: yes. Observed: 1 variant allele.
Comment: ACTG1: BP4, BP7

Blueprint Genetics
Classification: Likely benign. Last evaluated: 2019-07-25. Review status: criteria provided, single submitter. Criteria: ACMG Guidelines, 2015. Collection method: clinical testing. Allele origin: germline.